The following is an entry in ClinVar:

ClinVar aggregate classification (germline): Uncertain significance (1 of 4 stars; one submission).

Submission:

GeneDx
Classification: Uncertain significance. Last evaluated: 2024-04-23. Review status: criteria provided, single submitter. Criteria: GeneDx Variant Classification Process June 2021. Collection method: clinical testing. Allele origin: germline. Affected: yes.
Comment: Not observed at significant frequency in large population cohorts (gnomAD); In silico analysis supports that this missense variant has a deleterious effect on protein structure/function; This substitution is predicted to be within the C-terminal cytoplasmic domain.; Has not been previously published as pathogenic or benign to our knowledge

NM_001165963.4(SCN1A):c.5664G>C (p.Gln1888His)

Genes: SCN1A (sodium voltage-gated channel alpha subunit 1; minus strand), LOC102724058 (uncharacterized LOC102724058; plus strand). Cytogenetic location: 2q24.3.
Variant type: single nucleotide variant.
Coding change: c.5664G>C on transcript NM_001165963.4 (MANE Select); coding-DNA position 5664, G replaced by C.
Protein change: p.Gln1888His; replaces glutamine 1888 with histidine.
Molecular consequence: missense variant. On other transcripts: non-coding transcript variant (1).
Genome position (GRCh38, 1-based): chr2:165,991,611, C>G on the plus strand (G>C on the coding strand, the complement: SCN1A is on the minus strand). VCF-style: chr2-165991611-C-G. GRCh37 (hg19) VCF-style: chr2-166848121-C-G.
Other names: c.5580G>C, p.Gln1860His (NM_001165964.3, NM_001353957.2, NM_001353958.2); c.5664G>C, p.Gln1888His (NM_001202435.3, NM_001353948.2); c.5631G>C, p.Gln1877His (NM_001353949.2, NM_001353950.2, NM_001353951.2 and 2 more transcripts); c.5628G>C, p.Gln1876His (NM_001353954.2, NM_001353955.2); c.5577G>C, p.Gln1859His (NM_001353960.2); c.3222G>C, p.Gln1074His (NM_001353961.2); short protein forms Q1074H, Q1859H, Q1860H, Q1876H, Q1877H, Q1888H.
Identifiers: ClinVar variation 3369568 (VCV003369568.1).
Genomic context (GRCh38, chr2:165,991,611, plus strand): 5'-AGTAGTGATTGGCTGATAGGAGACCTTGGAAGGATTGGAAGCCATGAATCGCTCTTCCAT[C>G]TGTATTCGTAGAGCATCCATCTCTCCACTCTCTCCTAGAACCCGCTTTGTAAAAGCAAAT-3'
Protein context (NP_001159435.1, residues 1878-1898): ESGEMDALRI[Gln1888His]MEERFMASNP